The following is an entry in ClinVar:

NM_000533.5(PLP1):c.479C>T (p.Thr160Ile)

Genes: PLP1 (proteolipid protein 1; plus strand), RAB9B (RAB9B, member RAS oncogene family; minus strand). Cytogenetic location: Xq22.2.
Variant type: single nucleotide variant.
Coding change: c.479C>T on transcript NM_000533.5 (MANE Select); coding-DNA position 479, C replaced by T.
Protein change: p.Thr160Ile; replaces threonine 160 with isoleucine.
Molecular consequence: missense variant.
Genome position (GRCh38, 1-based): chrX:103,787,823, C>T. VCF-style: chrX-103787823-C-T. GRCh37 (hg19) VCF-style: chrX-103042752-C-T.
Other names: c.479C>T, p.Thr160Ile (NM_001128834.3); c.314C>T, p.Thr105Ile (NM_001305004.1); c.374C>T, p.Thr125Ile (NM_199478.3); short protein forms T105I, T125I, T160I.
Identifiers: ClinVar variation 3372968 (VCV003372968.1).
Genomic context (GRCh38, chrX:103,787,823, plus strand): 5'-GCTGATTTCTAACCACCCCATGTCAATCATTTTAGTTTGTGGGCATCACCTATGCCCTGA[C>T]CGTTGTGTGGCTCCTGGTGTTTGCCTGCTCTGCTGTGCCTGTGTACATTTACTTCAACAC-3'
Protein context (NP_000524.3, residues 150-170): DKFVGITYAL[Thr160Ile]VVWLLVFACS

ClinVar aggregate classification (germline): Uncertain significance (1 of 4 stars; one submission).

gnomAD v4.1: 1 of 1,210,124 alleles (0.000083%); highest among the groups gnomAD compares: East Asian, 0.003%; no homozygotes.

Submission:

GeneDx
Classification: Uncertain significance. Last evaluated: 2024-04-27. Review status: criteria provided, single submitter. Criteria: GeneDx Variant Classification Process June 2021. Collection method: clinical testing. Allele origin: germline. Affected: yes.
Comment: Not observed at significant frequency in large population cohorts (gnomAD); Missense variants in this gene are a common cause of disease and they are underrepresented in the general population; In silico analysis supports that this missense variant has a deleterious effect on protein structure/function; Has not been previously published as pathogenic or benign to our knowledge